The following is an entry in ClinVar:

ClinVar aggregate classification (germline): Uncertain significance (1 of 4 stars; one submission).

Conditions:
Hereditary antithrombin deficiency (AT3D). Also called: Antithrombin deficiency; Antithrombin III deficiency; Thrombophilia due to antithrombin III deficiency; Reduced antithrombin III activity. Identifiers: Orphanet 82, MedGen C0272375, MONDO:0013144, OMIM 613118, HP:0001976.

Allele frequency attached by ClinVar (database versions not stated): gnomAD exomes below 0.00001.
gnomAD v4.1: 5 of 1,614,126 alleles (0.00031%); highest among the groups gnomAD compares: Non-Finnish European, 0.00042%; no homozygotes.

Submission:

Labcorp Genetics (formerly Invitae), Labcorp
Classification: Uncertain significance for Hereditary antithrombin deficiency. Last evaluated: 2023-09-10. Review status: criteria provided, single submitter. Criteria: Invitae Variant Classification Sherloc (09022015). Collection method: clinical testing. Allele origin: germline.
Comment: This variant has not been reported in the literature in individuals affected with SERPINC1-related conditions. In summary, the available evidence is currently insufficient to determine the role of this variant in disease. Therefore, it has been classified as a Variant of Uncertain Significance. Advanced modeling of protein sequence and biophysical properties (such as structural, functional, and spatial information, amino acid conservation, physicochemical variation, residue mobility, and thermodynamic stability) performed at Invitae indicates that this missense variant is not expected to disrupt SERPINC1 protein function. This variant is present in population databases (no rsID available, gnomAD 0.0009%). This sequence change replaces aspartic acid, which is acidic and polar, with glycine, which is neutral and non-polar, at codon 369 of the SERPINC1 protein (p.Asp369Gly).

NM_000488.4(SERPINC1):c.1106A>G (p.Asp369Gly)

Gene: SERPINC1 (serpin family C member 1; minus strand). Cytogenetic location: 1q25.1.
Variant type: single nucleotide variant.
Coding change: c.1106A>G on transcript NM_000488.4 (MANE Select); coding-DNA position 1106, A replaced by G.
Protein change: p.Asp369Gly; replaces aspartic acid 369 with glycine.
Molecular consequence: missense variant.
Genome position (GRCh38, 1-based): chr1:173,909,599, T>C on the plus strand (A>G on the coding strand, the complement: SERPINC1 is on the minus strand). VCF-style: chr1-173909599-T-C. GRCh37 (hg19) VCF-style: chr1-173878737-T-C.
Other names: c.962A>G, p.Asp321Gly (NM_001365052.2); c.1229A>G, p.Asp410Gly (NM_001386302.1); c.1187A>G, p.Asp396Gly (NM_001386303.1); c.1085A>G, p.Asp362Gly (NM_001386304.1); c.1049A>G, p.Asp350Gly (NM_001386305.1); c.890A>G, p.Asp297Gly (NM_001386306.1); short protein forms D350G, D362G, D410G, D321G, D369G, D297G, D396G.
Identifiers: ClinVar variation 3015577 (VCV003015577.3), dbSNP rs1254068236, ClinGen allele CA343773562.